The following is an entry in ClinVar:

ClinVar aggregate classification (germline): Benign. Review status: criteria provided, multiple submitters, no conflicts (2 of 4 stars). 2 submissions from 2 submitters: Benign (2). Last evaluated 2018-06-16.

Conditions:
Wolfram syndrome 1 (WFS1). Identifiers: Orphanet 3463, MedGen C4551693, MONDO:0009101, OMIM 222300.

Allele frequency attached by ClinVar (database versions not stated): gnomAD 0.05371 and 0.05509; TOPMed 0.05470; 1000 Genomes Project 30x 0.06699; 1000 Genomes Project 0.06909.
gnomAD v4.1: 8,378 of 152,284 alleles (5.5%); highest among the groups gnomAD compares: Middle Eastern, 11%; 258 homozygotes.

Submissions (2):

GeneDx
Classification: Benign. Last evaluated: 2018-06-16. Review status: criteria provided, single submitter. Criteria: GeneDx Variant Classification (06012015). Collection method: clinical testing. Allele origin: germline. Affected: yes.
Comment: This variant is considered likely benign or benign based on one or more of the following criteria: it is a conservative change, it occurs at a poorly conserved position in the protein, it is predicted to be benign by multiple in silico algorithms, and/or has population frequency not consistent with disease.

Clinical Genomics, Uppaluri K&H Personalized Medicine Clinic
Classification: Benign for Wolfram syndrome 1. Review status: criteria provided, single submitter. Criteria: K & H Uppaluri Personalized Medicine Clinic Variant Classification & Assertion Criteria_Updated V.1. Collection method: research. Allele origin: unknown. Inheritance: Autosomal recessive inheritance.
Comment: Potent mutations in WFS1 gene are associated with Wolfram's syndrome, an autosomal recessive condition, which cause diabetes mellitus, diabetes insipidus, deafness and optic atrophy. However no sufficient evidence is found to ascertain the role of this particular variant rs61251604 in Wolfram's syndrome yet.

Literature cited by the submitters: PubMed 20738327 (cited by Clinical Genomics, Uppaluri K&H Personalized Medicine Clinic); PubMed 33879153 (cited by Clinical Genomics, Uppaluri K&H Personalized Medicine Clinic); PubMed 12955714 (cited by Clinical Genomics, Uppaluri K&H Personalized Medicine Clinic); PubMed 18060660 (cited by Clinical Genomics, Uppaluri K&H Personalized Medicine Clinic); PubMed 20301750 (cited by Clinical Genomics, Uppaluri K&H Personalized Medicine Clinic); PubMed 17603484 (cited by Clinical Genomics, Uppaluri K&H Personalized Medicine Clinic).

NM_006005.3(WFS1):c.713-1360G>A

Gene: WFS1 (wolframin ER transmembrane glycoprotein; plus strand). Cytogenetic location: 4p16.1.
Variant type: single nucleotide variant.
Coding change: c.713-1360G>A on transcript NM_006005.3 (MANE Select); 1360 bases into the intron before coding-DNA position 713, G replaced by A.
Molecular consequence: intron variant.
Genome position (GRCh38, 1-based): chr4:6,293,681, G>A. VCF-style: chr4-6293681-G-A. GRCh37 (hg19) VCF-style: chr4-6295408-G-A.
Other names: c.713-1360G>A (NM_001145853.1).
Identifiers: ClinVar variation 671606 (VCV000671606.2), dbSNP rs61251604, ClinGen allele CA11899058.